The following is an entry in ClinVar:

NM_015559.3(SETBP1):c.1119del (p.Ala374fs)

Gene: SETBP1 (SET binding protein 1; plus strand). Cytogenetic location: 18q12.3.
Variant type: Deletion.
Coding change: c.1119del on transcript NM_015559.3 (MANE Select); coding-DNA position 1119, one base deleted (C; older notation c.1119delC).
Protein change: p.Ala374fs; shifts the reading frame from alanine 374.
Molecular consequence: frameshift variant.
Genome position (GRCh38, 1-based): chr18:44,950,459, C deleted; the last of 2 consecutive C bases (chr18:44,950,458-44,950,459); deleting either gives the same sequence. VCF-style (leftmost placement, unchanged base first): chr18-44950457-TC-T. GRCh37 (hg19) VCF-style: chr18-42530422-TC-T.
Other names: c.1119del, p.Ala374fs (NM_001379141.1, NM_001379142.1, NM_001410862.1); c.1119delC (NM_015559.3); short protein forms A374fs.
Identifiers: ClinVar variation 3254903 (VCV003254903.1), dbSNP rs2511466330.

ClinVar aggregate classification (germline): Pathogenic (1 of 4 stars; one submission).

Conditions:
Intellectual developmental disorder, autosomal dominant 29. Also called: SETBP1 Haploinsufficiency Disorder; Intellectual disability, autosomal dominant 29. Identifiers: Orphanet 436151, MedGen C4015141, MONDO:0014482, OMIM 616078.

Submission:

Victorian Clinical Genetics Services, Murdoch Childrens Research Institute
Classification: Pathogenic for Intellectual developmental disorder, autosomal dominant 29. Last evaluated: 2023-07-16. Review status: criteria provided, single submitter. Criteria: ACMG Guidelines, 2015. Collection method: clinical testing. Allele origin: germline. Inheritance: Autosomal dominant inheritance. Affected: yes.
Comment: Based on the classification scheme VCGS_Germline_v1.3.4, this variant is classified as Pathogenic. Following criteria are met: 0103 - Loss of function and gain of function are known mechanisms of disease in this gene and are associated with autosomal dominant intellectual developmental disorder 29 (MIM#616078) and Schinzel-Giedion midface retraction syndrome (MIM#269150), respectively. The former is caused by premature termination variants, whereas the latter is caused by missense variants resulting in increased SETBP1 protein stability (PMID: 25217958, 28346496, 32460883). (I) 0107 - This gene is associated with autosomal dominant disease. (I) 0201 - Variant is predicted to cause nonsense-mediated decay (NMD) and loss of protein (premature termination codon is located at least 54 nucleotides upstream of the final exon-exon junction). (SP) 0251 - This variant is heterozygous. (I) 0301 - Variant is absent from gnomAD (both v2 and v3). (SP) 0701 - Other NMD-predicted variants comparable to the one identified in this case have very strong previous evidence for pathogenicity (ClinVar). These variants have been reported in individuals with an intellectual disability disorder, and are mostly observed as a de novo (GeneReviews). (SP) 0807 - This variant has no previous evidence of pathogenicity. (I) 0905 - No published segregation evidence has been identified for this variant. (I) 1007 - No published functional evidence has been identified for this variant. (I) Legend: (SP) - Supporting pathogenic, (I) - Information, (SB) - Supporting benign

Literature cited by the submitters: PubMed 25217958; PubMed 28346496; PubMed 32460883.